The following is an entry in ClinVar:

NM_000214.3(JAG1):c.1115C>T (p.Ser372Phe)

Gene: JAG1 (jagged canonical Notch ligand 1; minus strand). Cytogenetic location: 20p12.2.
Variant type: single nucleotide variant.
Coding change: c.1115C>T on transcript NM_000214.3 (MANE Select); coding-DNA position 1115, C replaced by T.
Protein change: p.Ser372Phe; replaces serine 372 with phenylalanine.
Molecular consequence: missense variant.
Genome position (GRCh38, 1-based): chr20:10,651,586, G>A on the plus strand (C>T on the coding strand, the complement: JAG1 is on the minus strand). VCF-style: chr20-10651586-G-A. GRCh37 (hg19) VCF-style: chr20-10632234-G-A.
Other names: short protein forms S372F.
Identifiers: ClinVar variation 849522 (VCV000849522.18), dbSNP rs772669312, ClinGen allele CA9764979.

ClinVar aggregate classification (germline): Conflicting classifications of pathogenicity. Review status: criteria provided, conflicting classifications (1 of 4 stars). 6 submissions from 6 submitters: Uncertain significance (2); Likely benign (4). Last evaluated 2025-12-09.

Conditions:
Alagille syndrome due to a JAG1 point mutation. Also called: HEPATIC DUCTULAR HYPOPLASIA, SYNDROMATIC; Alagille Syndrome 1; JAG1-Related Alagille Syndrome. Identifiers: Orphanet 261619, Orphanet 52, MedGen C1956125, MONDO:0016862, OMIM 118450.
Cardiovascular phenotype. Identifiers: MedGen CN230736.
JAG1-related disorder. Also called: JAG1-related condition; JAG1-related disorders.
Charcot-Marie-Tooth disease, axonal, Type 2HH. Also called: CHARCOT-MARIE-TOOTH NEUROPATHY, TYPE 2HH. Identifiers: MedGen C5562003, MONDO:0030458, OMIM 619574.
Tetralogy of Fallot (TOF). Identifiers: Orphanet 3303, MedGen C0039685, MONDO:0008542, OMIM 187500, HP:0001636.
Deafness, congenital heart defects, and posterior embryotoxon (DCHE). Identifiers: MedGen C1866053, MONDO:0060713, OMIM 617992.

Allele frequency attached by ClinVar (database versions not stated): TOPMed 0.00004; gnomAD exomes 0.00007 and 0.00009; gnomAD 0.00009 and 0.00010; ExAC 0.00010.

Submissions (6):

Labcorp Genetics (formerly Invitae), Labcorp
Classification: Likely benign for Alagille syndrome due to a JAG1 point mutation. Last evaluated: 2025-12-09. Review status: criteria provided, single submitter. Criteria: Invitae Variant Classification Sherloc (09022015). Collection method: clinical testing. Allele origin: germline.

Laboratory of Genetics, Children's Clinical University Hospital Latvia
Classification: Likely benign. Last evaluated: 2025-02-16. Review status: criteria provided, single submitter. Criteria: ACMG Guidelines, 2015. Collection method: clinical testing. Allele origin: germline. Affected: yes.

Ambry Genetics
Classification: Uncertain significance for Cardiovascular phenotype. Last evaluated: 2025-01-07. Review status: criteria provided, single submitter. Criteria: Ambry Variant Classification Scheme 2023. Collection method: clinical testing. Allele origin: germline.
Comment: The p.S372F variant (also known as c.1115C>T), located in coding exon 8 of the JAG1 gene, results from a C to T substitution at nucleotide position 1115. The serine at codon 372 is replaced by phenylalanine, an amino acid with highly dissimilar properties. This amino acid position is conserved. In addition, the in silico prediction for this alteration is inconclusive. Since supporting evidence is limited at this time, the clinical significance of this alteration remains unclear.

Blueprint Genetics
Classification: Likely benign. Last evaluated: 2024-10-23. Review status: criteria provided, single submitter. Criteria: ACMG Guidelines, 2015. Collection method: clinical testing. Allele origin: germline.

Fulgent Genetics
Classification: Likely benign for Alagille syndrome due to a JAG1 point mutation; Tetralogy of Fallot; Deafness, congenital heart defects, and posterior embryotoxon; Charcot-Marie-Tooth disease, axonal, Type 2HH. Last evaluated: 2024-01-21. Review status: criteria provided, single submitter. Criteria: ACMG Guidelines, 2015. Collection method: clinical testing. Allele origin: germline.

PreventionGenetics, part of Exact Sciences
Classification: Uncertain significance for JAG1-related condition. Last evaluated: 2023-06-12. Review status: criteria provided, single submitter. Criteria: ACMG Guidelines, 2015. Collection method: clinical testing. Allele origin: germline.
Comment: The JAG1 c.1115C>T variant is predicted to result in the amino acid substitution p.Ser372Phe. To our knowledge, this variant has not been reported in the literature. This variant is reported in 0.020% of alleles in individuals of European (Finnish) descent in gnomAD. Although we suspect that this variant may be benign, at this time, the clinical significance of this variant is uncertain due to the absence of conclusive functional and genetic evidence.